The following is an entry in ClinVar:

ClinVar aggregate classification (germline): Uncertain significance. Review status: criteria provided, multiple submitters, no conflicts (2 of 4 stars). 3 submissions from 3 submitters: Uncertain significance (3). Last evaluated 2024-07-31.

Conditions:
Microcephaly, normal intelligence and immunodeficiency (NBS). Also called: IMMUNODEFICIENCY, MICROCEPHALY, AND CHROMOSOMAL INSTABILITY; Immunodeficiency, microcephaly with normal intelligence; BERLIN BREAKAGE SYNDROME; SEEMANOVA SYNDROME II; Ataxia telangiectasia variant V1; Nijmegen breakage syndrome. Identifiers: Orphanet 647, MedGen C0398791, MONDO:0009623, OMIM 251260.
Hereditary cancer-predisposing syndrome. Also called: Hereditary Cancer Syndrome; Tumor predisposition; Neoplastic Syndromes, Hereditary; Hereditary neoplastic syndrome. Identifiers: Orphanet 140162, MedGen C0027672, MeSH D009386, MONDO:0015356.

Submissions (3):

Ambry Genetics
Classification: Uncertain significance for Hereditary cancer-predisposing syndrome. Last evaluated: 2024-07-31. Review status: criteria provided, single submitter. Criteria: Ambry Variant Classification Scheme 2023. Collection method: clinical testing. Allele origin: germline.
Comment: The p.L528S variant (also known as c.1583T>C), located in coding exon 11 of the NBN gene, results from a T to C substitution at nucleotide position 1583. The leucine at codon 528 is replaced by serine, an amino acid with dissimilar properties. This amino acid position is conserved. In addition, this alteration is predicted to be tolerated by in silico analysis. Based on the available evidence, the clinical significance of this variant remains unclear.

Institute for Biomarker Research, Medical Diagnostic Laboratories, L.L.C.
Classification: Uncertain significance for Hereditary cancer-predisposing syndrome. Last evaluated: 2024-04-02. Review status: criteria provided, single submitter. Criteria: ACMG Guidelines, 2015. Collection method: clinical testing. Allele origin: germline.

Labcorp Genetics (formerly Invitae), Labcorp
Classification: Uncertain significance for Microcephaly, normal intelligence and immunodeficiency. Last evaluated: 2022-02-22. Review status: criteria provided, single submitter. Criteria: Invitae Variant Classification Sherloc (09022015). Collection method: clinical testing. Allele origin: germline.
Comment: This sequence change replaces leucine, which is neutral and non-polar, with serine, which is neutral and polar, at codon 528 of the NBN protein (p.Leu528Ser). This variant is not present in population databases (gnomAD no frequency). This variant has not been reported in the literature in individuals affected with NBN-related conditions. Algorithms developed to predict the effect of missense changes on protein structure and function output the following: SIFT: "Deleterious"; PolyPhen-2: "Benign"; Align-GVGD: "Class C0". The serine amino acid residue is found in multiple mammalian species, which suggests that this missense change does not adversely affect protein function. In summary, the available evidence is currently insufficient to determine the role of this variant in disease. Therefore, it has been classified as a Variant of Uncertain Significance.

NM_002485.5(NBN):c.1583T>C (p.Leu528Ser)

Gene: NBN (nibrin; minus strand). Cytogenetic location: 8q21.3.
Variant type: single nucleotide variant.
Coding change: c.1583T>C on transcript NM_002485.5 (MANE Select); coding-DNA position 1583, T replaced by C.
Protein change: p.Leu528Ser; replaces leucine 528 with serine.
Molecular consequence: missense variant.
Genome position (GRCh38, 1-based): chr8:89,953,506, A>G on the plus strand (T>C on the coding strand, the complement: NBN is on the minus strand). VCF-style: chr8-89953506-A-G. GRCh37 (hg19) VCF-style: chr8-90965734-A-G.
Other names: c.1337T>C, p.Leu446Ser (NM_001024688.3); short protein forms L446S, L528S.
Identifiers: ClinVar variation 2102177 (VCV002102177.3), dbSNP rs2129700612, ClinGen allele CA371655543.